The following is an entry in ClinVar:

NM_000553.6(WRN):c.3254G>C (p.Gly1085Ala)

Gene: WRN (WRN RecQ like helicase; plus strand). Cytogenetic location: 8p12.
Variant type: single nucleotide variant.
Coding change: c.3254G>C on transcript NM_000553.6 (MANE Select); coding-DNA position 3254, G replaced by C.
Protein change: p.Gly1085Ala; replaces glycine 1085 with alanine.
Molecular consequence: missense variant.
Genome position (GRCh38, 1-based): chr8:31,142,646, G>C. VCF-style: chr8-31142646-G-C. GRCh37 (hg19) VCF-style: chr8-31000162-G-C.
Other names: short protein forms G1085A.
Identifiers: ClinVar variation 647929 (VCV000647929.5), dbSNP rs1585516331, ClinGen allele CA370923337.

ClinVar aggregate classification (germline): Uncertain significance (1 of 4 stars; one submission).

Conditions:
Werner syndrome (WRN). Identifiers: Orphanet 902, MedGen C0043119, MONDO:0010196, OMIM 277700.

Submission:

Labcorp Genetics (formerly Invitae), Labcorp
Classification: Uncertain significance for Werner syndrome. Last evaluated: 2021-12-29. Review status: criteria provided, single submitter. Criteria: Invitae Variant Classification Sherloc (09022015). Collection method: clinical testing. Allele origin: germline.
Comment: In summary, the available evidence is currently insufficient to determine the role of this variant in disease. Therefore, it has been classified as a Variant of Uncertain Significance. Algorithms developed to predict the effect of missense changes on protein structure and function output the following: SIFT: "Not Available"; PolyPhen-2: "Benign"; Align-GVGD: "Not Available". The alanine amino acid residue is found in multiple mammalian species, which suggests that this missense change does not adversely affect protein function. ClinVar contains an entry for this variant (Variation ID: 647929). This variant has not been reported in the literature in individuals affected with WRN-related conditions. This variant is not present in population databases (gnomAD no frequency). This sequence change replaces glycine, which is neutral and non-polar, with alanine, which is neutral and non-polar, at codon 1085 of the WRN protein (p.Gly1085Ala).